The following is an entry in ClinVar:

ClinVar aggregate classification (germline): Uncertain significance. Review status: criteria provided, multiple submitters, no conflicts (2 of 4 stars). 4 submissions from 4 submitters: Uncertain significance (4). Last evaluated 2025-10-29.

Conditions:
Autoimmune lymphoproliferative syndrome type 2A (ALPS2A). Also called: CASP10-Related Autoimmune Lymphoproliferative Syndrome; AUTOIMMUNE LYMPHOPROLIFERATIVE SYNDROME, TYPE IIA; Autoimmune lymphoproliferative syndrome type 2. Identifiers: Orphanet 3261, MedGen C1858968, MONDO:0011383, OMIM 603909.

Allele frequency attached by ClinVar (database versions not stated): ExAC 0.00001; TOPMed 0.00001.

Submissions (4):

Ambry Genetics
Classification: Uncertain significance. Last evaluated: 2025-10-29. Review status: criteria provided, single submitter. Criteria: Ambry Variant Classification Scheme 2023. Collection method: clinical testing. Allele origin: germline.

Labcorp Genetics (formerly Invitae), Labcorp
Classification: Uncertain significance for Autoimmune lymphoproliferative syndrome type 2A. Last evaluated: 2025-07-03. Review status: criteria provided, single submitter. Criteria: Invitae Variant Classification Sherloc (09022015). Collection method: clinical testing. Allele origin: germline.
Comment: This sequence change replaces proline, which is neutral and non-polar, with alanine, which is neutral and non-polar, at codon 516 of the CASP10 protein (p.Pro516Ala). This variant is not present in population databases (gnomAD no frequency). This variant has not been reported in the literature in individuals affected with CASP10-related conditions. ClinVar contains an entry for this variant (Variation ID: 2439760). An algorithm developed to predict the effect of missense changes on protein structure and function (PolyPhen-2) suggests that this variant is likely to be disruptive. In summary, the available evidence is currently insufficient to determine the role of this variant in disease. Therefore, it has been classified as a Variant of Uncertain Significance.

Revvity Omics, Revvity
Classification: Uncertain significance for Autoimmune lymphoproliferative syndrome type 2A. Last evaluated: 2020-01-26. Review status: criteria provided, single submitter. Criteria: ACMG Guidelines, 2015. Collection method: clinical testing. Allele origin: germline.

Blueprint Genetics
Classification: Uncertain significance. Last evaluated: 2019-10-29. Review status: criteria provided, single submitter. Criteria: ACMG Guidelines, 2015. Collection method: clinical testing. Allele origin: germline.

NM_032977.4(CASP10):c.1546C>G (p.Pro516Ala)

Gene: CASP10 (caspase 10; plus strand). Cytogenetic location: 2q33.1.
Variant type: single nucleotide variant.
Coding change: c.1546C>G on transcript NM_032977.4 (MANE Select); coding-DNA position 1546, C replaced by G.
Protein change: p.Pro516Ala; replaces proline 516 with alanine.
Molecular consequence: missense variant. On other transcripts: 3 prime UTR variant (1), intron variant (2).
Genome position (GRCh38, 1-based): chr2:201,217,718, C>G. VCF-style: chr2-201217718-C-G. GRCh37 (hg19) VCF-style: chr2-202082441-C-G.
Other names: c.1345C>G, p.Pro449Ala (NM_001206524.2); c.1417C>G, p.Pro473Ala (NM_001230.5); c.*632C>G (NM_032976.4); c.1415+8156C>G (NM_032974.5); c.1286+8156C>G (NM_001206542.2); short protein forms P449A, P473A, P516A.
Identifiers: ClinVar variation 2439760 (VCV002439760.9), dbSNP rs767866275, ClinGen allele CA2053290.